The following is an entry in ClinVar:

ClinVar aggregate classification (germline): Conflicting classifications of pathogenicity. Review status: criteria provided, conflicting classifications (1 of 4 stars). 4 submissions from 4 submitters: Uncertain significance (3); Likely benign (1). Last evaluated 2026-05-11.

Conditions:
Ehlers-Danlos syndrome, classic type, 1 (EDSCL1). Also called: EHLERS-DANLOS SYNDROME, GRAVIS TYPE; EHLERS-DANLOS SYNDROME, SEVERE CLASSIC TYPE; Ehlers-Danlos syndrome, type 1; EDS I; Ehlers-Danlos Syndrome, Classic Type, COL5A1-Related. Identifiers: MedGen C0268335, MONDO:0019567, OMIM 130000.
Familial thoracic aortic aneurysm and aortic dissection (TAAD). Also called: Thoracic aortic aneurysms and dissections. Identifiers: Orphanet 91387, MedGen C4707243, MONDO:0019625.

Allele frequency attached by ClinVar (database versions not stated): gnomAD exomes below 0.00001; gnomAD 0.00001; TOPMed 0.00004.
gnomAD v4.1: 11 of 1,613,688 alleles (0.00068%); highest among the groups gnomAD compares: African/African-American, 0.004%; no homozygotes.

Submissions (4):

Women's Health and Genetics/Laboratory Corporation of America, LabCorp
Classification: Uncertain significance. Last evaluated: 2026-05-11. Review status: criteria provided, single submitter. Criteria: LabCorp Variant Classification Summary - May 2015. Collection method: clinical testing. Allele origin: germline.

Ambry Genetics
Classification: Uncertain significance for Familial thoracic aortic aneurysm and aortic dissection. Last evaluated: 2026-02-27. Review status: criteria provided, single submitter. Criteria: Ambry Variant Classification Scheme 2023. Collection method: clinical testing. Allele origin: germline.

Labcorp Genetics (formerly Invitae), Labcorp
Classification: Likely benign for Ehlers-Danlos syndrome, classic type, 1. Last evaluated: 2025-01-30. Review status: criteria provided, single submitter. Criteria: Invitae Variant Classification Sherloc (09022015). Collection method: clinical testing. Allele origin: germline.

GeneDx
Classification: Uncertain significance. Last evaluated: 2023-01-25. Review status: criteria provided, single submitter. Criteria: GeneDx Variant Classification Process June 2021. Collection method: clinical testing. Allele origin: germline. Affected: yes.
Comment: Has not been previously published as pathogenic or benign to our knowledge; Not observed at a significant frequency in large population cohorts (gnomAD); In silico analysis supports that this missense variant does not alter protein structure/function; Occurs in the triple helical domain at the Y position in the canonical Gly-X-Y repeat; although this variant may have an effect on normal protein folding and function, missense substitution at the Y position is not a common mechanism of disease (Symoens et al., 2012; HGMD)

NM_000093.5(COL5A1):c.4534T>G (p.Ser1512Ala)

Genes: COL5A1 (collagen type V alpha 1 chain; plus strand), LOC101448202 (uncharacterized LOC101448202; minus strand). Cytogenetic location: 9q34.3.
Variant type: single nucleotide variant.
Coding change: c.4534T>G on transcript NM_000093.5 (MANE Select); coding-DNA position 4534, T replaced by G.
Protein change: p.Ser1512Ala; replaces serine 1512 with alanine.
Molecular consequence: missense variant. On other transcripts: non-coding transcript variant (1).
Genome position (GRCh38, 1-based): chr9:134,820,203, T>G. VCF-style: chr9-134820203-T-G. GRCh37 (hg19) VCF-style: chr9-137712049-T-G.
Other names: c.4534T>G, p.Ser1512Ala (NM_001278074.1); short protein forms S1512A.
Identifiers: ClinVar variation 1321083 (VCV001321083.15), dbSNP rs1008518818, ClinGen allele CA201097620.